The following is an entry in ClinVar:

NM_001354604.2(MITF):c.104+24210A>G

Gene: MITF (melanocyte inducing transcription factor; plus strand). Cytogenetic location: 3p13.
Variant type: single nucleotide variant.
Coding change: c.104+24210A>G on transcript NM_001354604.2 (MANE Select); 24210 bases into the intron after coding-DNA position 104, A replaced by G.
Molecular consequence: intron variant. On other transcripts: missense variant (1).
Genome position (GRCh38, 1-based): chr3:69,763,911, A>G. VCF-style: chr3-69763911-A-G. GRCh37 (hg19) VCF-style: chr3-69813062-A-G.
Other names: c.70A>G, p.Arg24Gly (NM_006722.3); c.-77+24210A>G (NM_001354607.2); c.-92+24210A>G (NM_001354608.2); c.104+24210A>G (NM_198159.3, NM_001354605.2, NM_001354606.2); c.-53+219A>G (NM_001184967.2); short protein forms R24G.
Identifiers: ClinVar variation 2628573 (VCV002628573.1), dbSNP rs1335773753, ClinGen allele CA353558280.

ClinVar aggregate classification (germline): Uncertain significance (1 of 4 stars; one submission).

Conditions:
MITF-related disorder. Also called: MITF-related condition.

Allele frequency attached by ClinVar (database versions not stated): gnomAD exomes below 0.00001; TOPMed below 0.00001.
gnomAD v4.1: 5 of 1,374,754 alleles (0.00036%); highest among the groups gnomAD compares: Admixed American, 0.002%; no homozygotes.

Submission:

PreventionGenetics, part of Exact Sciences
Classification: Uncertain significance for MITF-related condition. Last evaluated: 2023-03-19. Review status: criteria provided, single submitter. Criteria: ACMG Guidelines, 2015. Collection method: clinical testing. Allele origin: germline.
Comment: The MITF c.70A>G variant is predicted to result in the amino acid substitution p.Arg24Gly. To our knowledge, this variant has not been reported in the literature. This variant is reported in 0.0034% of alleles in individuals of Latino descent in gnomAD. At this time, the clinical significance of this variant is uncertain due to the absence of conclusive functional and genetic evidence.